The following is an entry in ClinVar:

NM_024079.5(ALG8):c.665A>G (p.Asn222Ser)

Gene: ALG8 (ALG8 alpha-1,3-glucosyltransferase; minus strand). Cytogenetic location: 11q14.1.
Variant type: single nucleotide variant.
Coding change: c.665A>G on transcript NM_024079.5 (MANE Select); coding-DNA position 665, A replaced by G.
Protein change: p.Asn222Ser; replaces asparagine 222 with serine.
Molecular consequence: missense variant.
Genome position (GRCh38, 1-based): chr11:78,114,274, T>C on the plus strand (A>G on the coding strand, the complement: ALG8 is on the minus strand). VCF-style: chr11-78114274-T-C. GRCh37 (hg19) VCF-style: chr11-77825320-T-C.
Other names: NM_001007027.2(ALG8):c.665A>G(p.Asn222Ser); NM_024079.4(ALG8):c.665A>G(p.Asn222Ser); c.665A>G, p.Asn222Ser (NM_001007027.3); short protein forms N222S.
Identifiers: ClinVar variation 96092 (VCV000096092.25), dbSNP rs665278, ClinGen allele CA149231.

ClinVar aggregate classification (germline): Benign/Likely benign. Review status: criteria provided, multiple submitters, no conflicts (2 of 4 stars). 12 submissions from 12 submitters: Benign (7); Likely benign (3). 2 of the submissions do not count toward it. Last evaluated 2026-02-03.

Conditions:
ALG8 congenital disorder of glycosylation. Also called: CONGENITAL DISORDER OF GLYCOSYLATION, TYPE Ih; CDG Ih; ALG8-CDG. Identifiers: Orphanet 79325, MedGen C2931002, MONDO:0011969, OMIM 608104.

Allele frequency attached by ClinVar (database versions not stated): TOPMed 0.17511; gnomAD 0.17617 and 0.17802; ESP Exome Variant Server 0.17652; gnomAD exomes 0.20188 and 0.22023; 1000 Genomes Project 0.14637; ExAC 0.19908; 1000 Genomes Project 30x 0.14507.
gnomAD v4.1: 348,637 of 1,613,832 alleles (22%); highest among the groups gnomAD compares: Middle Eastern, 26%; 39,483 homozygotes.

Submissions (12):

Labcorp Genetics (formerly Invitae), Labcorp
Classification: Benign for ALG8 congenital disorder of glycosylation. Last evaluated: 2026-02-03. Review status: criteria provided, single submitter. Criteria: Invitae Variant Classification Sherloc (09022015). Collection method: clinical testing. Allele origin: germline.

Blueprint Genetics
Classification: Likely benign. Last evaluated: 2024-11-27. Review status: criteria provided, single submitter. Criteria: ACMG Guidelines, 2015. Collection method: clinical testing. Allele origin: germline.

Mayo Clinic Laboratories, Mayo Clinic
Classification: Benign. Last evaluated: 2022-03-09. Review status: criteria provided, single submitter. Criteria: ACMG Guidelines, 2015. Collection method: clinical testing. Allele origin: germline. Observed: 137 variant alleles.

Genome-Nilou Lab
Classification: Benign for ALG8 congenital disorder of glycosylation. Last evaluated: 2021-07-14. Review status: criteria provided, single submitter. Criteria: ACMG Guidelines, 2015. Collection method: clinical testing. Allele origin: germline. Affected: no.

GeneDx
Classification: Benign. Last evaluated: 2018-07-05. Review status: criteria provided, single submitter. Criteria: GeneDx Variant Classification Process June 2021. Collection method: clinical testing. Allele origin: germline. Affected: yes.

SIB Swiss Institute of Bioinformatics
Classification: Benign for ALG8 congenital disorder of glycosylation. Last evaluated: 2018-05-31. Review status: criteria provided, single submitter. Criteria: ACMG Guidelines, 2015. Collection method: curation. Allele origin: unknown.
Comment: This variant is interpreted as a Benign - Stand Alone, for Congenital disorder of glycosylation, type Ih, in Autosomal Recessive manner. The following ACMG Tag(s) were applied: BA1 => Allele frequency is >5% in Exome Sequencing Project, 1000 Genomes Project, or Exome Aggregation Consortium.

Illumina Laboratory Services, Illumina
Classification: Benign for ALG8 congenital disorder of glycosylation. Last evaluated: 2018-01-13. Review status: criteria provided, single submitter. Criteria: ICSL Variant Classification Criteria 13 December 2019. Collection method: clinical testing. Allele origin: germline.
Comment: This variant was observed in the ICSL laboratory as part of a predisposition screen in an ostensibly healthy population. It had not been previously curated by ICSL or reported in the Human Gene Mutation Database (HGMD: prior to June 1st, 2018), and was therefore a candidate for classification through an automated scoring system. Utilizing variant allele frequency, disease prevalence and penetrance estimates, and inheritance mode, an automated score was calculated to assess if this variant is too frequent to cause the disease. Based on the score and internal cut-off values, a variant classified as benign is not then subjected to further curation. The score for this variant resulted in a classification of benign for this disease.

Eurofins Ntd Llc (ga)
Classification: Benign. Last evaluated: 2012-10-04. Review status: criteria provided, single submitter. Criteria: EGL Classification Definitions 2015. Collection method: clinical testing. Allele origin: germline. Observed: 15 variant alleles, 11 heterozygotes, 4 homozygotes.

Breakthrough Genomics
Classification: Likely benign. Review status: criteria provided, single submitter. Criteria: ACMG Guidelines, 2015. Collection method: not provided. Allele origin: germline. Inheritance: Autosomal recessive inheritance. Affected: yes.

PreventionGenetics, part of Exact Sciences
Classification: Likely benign. Review status: criteria provided, single submitter. Criteria: ACMG Guidelines, 2015. Collection method: clinical testing. Allele origin: germline.

Clinical Genetics, Academic Medical Center
Classification: Benign. Review status: no assertion criteria provided. Collection method: clinical testing. Allele origin: germline. Affected: yes. Study: VKGL Data-share Consensus. Not counted in ClinVar's aggregate classification.

Diagnostic Laboratory, Department of Genetics, University Medical Center Groningen
Classification: Benign for ALG8 congenital disorder of glycosylation. Review status: no assertion criteria provided. Collection method: clinical testing. Allele origin: germline. Affected: yes. Study: VKGL Data-share Consensus. Not counted in ClinVar's aggregate classification.